The following is an entry in ClinVar:

ClinVar aggregate classification (germline): Uncertain significance (1 of 4 stars; one submission).

Conditions:
Hypertrophic cardiomyopathy. Also called: HYPERTROPHIC MYOCARDIOPATHY. Identifiers: Orphanet 217569, MedGen C0007194, MeSH D002312, MONDO:0005045, HP:0001639.

Submission:

Labcorp Genetics (formerly Invitae), Labcorp
Classification: Uncertain significance for Hypertrophic cardiomyopathy. Last evaluated: 2023-02-06. Review status: criteria provided, single submitter. Criteria: Invitae Variant Classification Sherloc (09022015). Collection method: clinical testing. Allele origin: germline.
Comment: This variant is not present in population databases (gnomAD no frequency). This sequence change replaces threonine, which is neutral and polar, with alanine, which is neutral and non-polar, at codon 421 of the MYOM1 protein (p.Thr421Ala). This variant has not been reported in the literature in individuals affected with MYOM1-related conditions. In summary, the available evidence is currently insufficient to determine the role of this variant in disease. Therefore, it has been classified as a Variant of Uncertain Significance. Advanced modeling of protein sequence and biophysical properties (such as structural, functional, and spatial information, amino acid conservation, physicochemical variation, residue mobility, and thermodynamic stability) has been performed at Invitae for this missense variant, however the output from this modeling did not meet the statistical confidence thresholds required to predict the impact of this variant on MYOM1 protein function.

NM_003803.4(MYOM1):c.1261A>G (p.Thr421Ala)

Gene: MYOM1 (myomesin 1; minus strand). Cytogenetic location: 18p11.31.
Variant type: single nucleotide variant.
Coding change: c.1261A>G on transcript NM_003803.4 (MANE Select); coding-DNA position 1261, A replaced by G.
Protein change: p.Thr421Ala; replaces threonine 421 with alanine.
Molecular consequence: missense variant.
Genome position (GRCh38, 1-based): chr18:3,168,895, T>C on the plus strand (A>G on the coding strand, the complement: MYOM1 is on the minus strand). VCF-style: chr18-3168895-T-C. GRCh37 (hg19) VCF-style: chr18-3168893-T-C.
Other names: c.1261A>G, p.Thr421Ala (NM_019856.2); short protein forms T421A.
Identifiers: ClinVar variation 2834962 (VCV002834962.3), dbSNP rs2510692337, ClinGen allele CA401715271.